The following is an entry in ClinVar:

ClinVar aggregate classification (germline): Pathogenic/Likely pathogenic. Review status: criteria provided, single submitter (1 of 4 stars). 4 submissions from 2 submitters: Pathogenic (1); Likely pathogenic (2). 1 of the submissions does not count toward it. Last evaluated 2023-06-02.

Conditions:
Epidermolysis bullosa simplex 1C, localized. Also called: EBS, ACRAL FORM; EPIDERMOLYSIS BULLOSA OF HANDS AND FEET; Localized epidermolysis bullosa simplex; Epidermolysis Bullosa Simplex, Weber-Cockayne Type; Weber-Cockayne Syndrome. Identifiers: Orphanet 79400, MedGen C0080333, MONDO:0007551, OMIM 131800.
Epidermolysis bullosa simplex 1D, generalized, intermediate or severe, autosomal recessive. Identifiers: Orphanet 89838, MedGen C3715082, MONDO:0010976, OMIM 601001.
Epidermolysis bullosa simplex 1A, generalized severe (EBS1A). Also called: Epidermolysis bullosa simplex Dowling-Meara type. Identifiers: Orphanet 79396, MedGen C0079295, MONDO:0007550, OMIM 131760.

gnomAD v4.1: 2 of 1,613,748 alleles (0.00012%); no homozygotes.

Submissions (4):

Neuberg Centre For Genomic Medicine, NCGM
Classification: Pathogenic for Epidermolysis bullosa simplex 1D, generalized, intermediate or severe, autosomal recessive. Last evaluated: 2023-06-02. Review status: criteria provided, single submitter. Criteria: ACMG Guidelines, 2015. Collection method: clinical testing. Allele origin: germline. Inheritance: Autosomal recessive inheritance. Affected: yes.
Comment: The observed stop gained variant c.1186C>T(p.Gln396Ter) in the KRT14 gene has been reported previously in homozygous and heterozygous state in multiple Israeli individuals affected with Epidermolysis bullosa simplex and is suggestive of a founder effect in this population (Ciubotaru D, et al., 2003). This variant is reported with the allele frequency 0.0004% in the gnomAD Exomes. It is submitted to ClinVar as Likely Pathogenic. Computational evidence (MutationTaster - Disease causing) predicts damaging effect on protein structure and function for this variant. This variant is predicted to cause loss of normal protein function either through protein truncation or nonsense-mediated mRNA decay. Loss of function variants have been previously reported to be disease causing. For these reasons, this variant has been classified as Pathogenic.

Neuberg Centre For Genomic Medicine, NCGM
Classification: Likely pathogenic for Epidermolysis bullosa simplex 1C, localized. Review status: criteria provided, single submitter. Criteria: ACMG Guidelines, 2015. Collection method: clinical testing. Allele origin: germline. Affected: yes.
Comment: The stop gained p.Q396* in KRT14 (NM_000526.4) has not been reported previously as a pathogenic variant nor as a benign variant, to our knowledge. This variant is predicted to cause loss of normal protein function through protein truncation.The variant has been submitted to ClinVar but has not been classified. The CADD score is deleterious and the residue is conserved across species. For these reasons, this variant has been classified as Likely Pathogenic.

Neuberg Centre For Genomic Medicine, NCGM
Classification: Likely pathogenic for Epidermolysis bullosa simplex 1A, generalized severe. Review status: criteria provided, single submitter. Criteria: ACMG Guidelines, 2015. Collection method: clinical testing. Allele origin: germline. Inheritance: Autosomal recessive inheritance. Affected: yes.
Comment: The stop gained p.Q396* in KRT14 (NM_000526.5) has not been reported previously as a pathogenic variant nor as a benign variant, to our knowledge. The variant is novel (not in any individuals) in 1000 Genomes. This variant is predicted to cause loss of normal protein function through protein truncation. The p.Q396* variant is a loss of function variant in the gene KRT14, which is intolerant of Loss of Function variants. The nucleotide change in KRT14 is predicted as conserved by GERP++ and PhyloP across 100 vertebrates. For these reasons, this variant has been classified as Likely Pathogenic.

Epithelial Biology;  Institute of Medical Biology, Singapore
No classification provided. Review status: no classification provided. Collection method: not provided. Allele origin: not provided. Not counted in ClinVar's aggregate classification.

NM_000526.5(KRT14):c.1186C>T (p.Gln396Ter)

Gene: KRT14 (keratin 14; minus strand). Cytogenetic location: 17q21.2.
Variant type: single nucleotide variant.
Coding change: c.1186C>T on transcript NM_000526.5 (MANE Select); coding-DNA position 1186, C replaced by T.
Protein change: p.Gln396Ter; replaces glutamine 396 with a stop codon.
Molecular consequence: nonsense.
Genome position (GRCh38, 1-based): chr17:41,583,323, G>A on the plus strand (C>T on the coding strand, the complement: KRT14 is on the minus strand). VCF-style: chr17-41583323-G-A. GRCh37 (hg19) VCF-style: chr17-39739575-G-A.
Other names: short protein forms Q396*.
Identifiers: ClinVar variation 66309 (VCV000066309.6), dbSNP rs58393329, ClinGen allele CA216837.